The following is an entry in ClinVar:

NM_005360.5(MAF):c.544CAC[8] (p.His187_Ala188insHisHis)

Gene: MAF (MAF bZIP transcription factor; minus strand). Cytogenetic location: 16q23.2.
Variant type: Microsatellite.
Coding change: c.544CAC[8] on transcript NM_005360.5 (MANE Select); eight copies in a row of the 3-base unit CAC starting at c.544; the reference has six copies in a row; two copies, 6 bases duplicated.
Protein change: p.His187_Ala188insHisHis.
Genome position (GRCh38, 1-based): chr16:79,599,342-79,599,347, GTGGTG duplicated on the plus strand (CACCAC on the coding strand, the reverse complement: MAF is on the minus strand); duplicating any 6 consecutive bases within chr16:79,599,342-79,599,361 gives the same sequence; the position shown is the placement nearest the transcript's 3' end. VCF-style (leftmost placement, unchanged base first): chr16-79599341-C-CGTGGTG. GRCh37 (hg19) VCF-style: chr16-79633238-C-CGTGGTG.
Other names: c.544CAC[8], p.His187_Ala188insHisHis (NM_001031804.3).
Identifiers: ClinVar variation 3778196 (VCV003778196.7).

ClinVar aggregate classification (germline): Uncertain significance (1 of 4 stars; one submission).

Submission:

CeGaT Center for Human Genetics Tuebingen
Classification: Uncertain significance. Last evaluated: 2025-03-01. Review status: criteria provided, single submitter. Criteria: CeGaT Center For Human Genetics Tuebingen Variant Classification Criteria Version 2. Collection method: clinical testing. Allele origin: germline. Affected: yes. Observed: 1 variant allele.
Comment: MAF: PM4